The following is an entry in ClinVar:

NM_004304.5(ALK):c.3360G>A (p.Arg1120=)

Gene: ALK (ALK receptor tyrosine kinase; minus strand). Cytogenetic location: 2p23.2.
Variant type: single nucleotide variant.
Coding change: c.3360G>A on transcript NM_004304.5 (MANE Select); coding-DNA position 3360, G replaced by A.
Protein change: p.Arg1120=; no amino-acid change (arginine 1120 retained).
Molecular consequence: synonymous variant.
Genome position (GRCh38, 1-based): chr2:29,222,607, C>T on the plus strand (G>A on the coding strand, the complement: ALK is on the minus strand). VCF-style: chr2-29222607-C-T. GRCh37 (hg19) VCF-style: chr2-29445473-C-T.
Other names: c.156G>A, p.Arg52= (NM_001353765.2).
Identifiers: ClinVar variation 823662 (VCV000823662.7), dbSNP rs747985440, ClinGen allele CA1593976.
Genomic context (GRCh38, chr2:29,222,607, plus strand): 5'-GTTGGGCATTCCGGACACCTGGCCTTCATACACCTCCCCAAAGGCGCCATGGCCCAGACC[C>T]CTGTGCAAAGGAGAAGACAAGAGGAGACAGAGTCAAACAGGCCACAATAATGAGGCAGCT-3'
Protein context (NP_004295.2, residues 1110-1130): EVPRKNITLI[Arg1120=]GLGHGAFGEV

ClinVar aggregate classification (germline): Conflicting classifications of pathogenicity. Review status: criteria provided, conflicting classifications (1 of 4 stars). 2 submissions from 2 submitters: Uncertain significance (1); Likely benign (1). Last evaluated 2023-12-05.

Conditions:
Hereditary cancer-predisposing syndrome. Also called: Neoplastic Syndromes, Hereditary; Hereditary Cancer Syndrome; Hereditary neoplastic syndrome; Tumor predisposition. Identifiers: Orphanet 140162, MedGen C0027672, MeSH D009386, MONDO:0015356.
Neuroblastoma, susceptibility to, 3. Also called: ALK-Related Neuroblastic Tumor Susceptibility. Identifiers: Orphanet 635, MedGen C2751681, MONDO:0013083, OMIM 613014.

Allele frequency attached by ClinVar (database versions not stated): gnomAD exomes below 0.00001; ExAC 0.00001.

Submissions (2):

Labcorp Genetics (formerly Invitae), Labcorp
Classification: Uncertain significance for Neuroblastoma, susceptibility to, 3. Last evaluated: 2023-12-05. Review status: criteria provided, single submitter. Criteria: Invitae Variant Classification Sherloc (09022015). Collection method: clinical testing. Allele origin: germline.
Comment: This sequence change affects codon 1120 of the ALK mRNA. It is a 'silent' change, meaning that it does not change the encoded amino acid sequence of the ALK protein. It affects a nucleotide within the consensus splice site. This variant is present in population databases (rs747985440, gnomAD 0.0009%). This variant has not been reported in the literature in individuals affected with ALK-related conditions. ClinVar contains an entry for this variant (Variation ID: 823662). Algorithms developed to predict the effect of sequence changes on RNA splicing suggest that this variant is not likely to affect RNA splicing. In summary, the available evidence is currently insufficient to determine the role of this variant in disease. Therefore, it has been classified as a Variant of Uncertain Significance.

Ambry Genetics
Classification: Likely benign for Hereditary cancer-predisposing syndrome. Last evaluated: 2018-11-30. Review status: criteria provided, single submitter. Criteria: Ambry Variant Classification Scheme 2023. Collection method: clinical testing. Allele origin: germline.